The following is an entry in ClinVar:

ClinVar aggregate classification (germline): Pathogenic. Review status: reviewed by expert panel (3 of 4 stars). 4 submissions from 4 submitters: Pathogenic (1). 3 of the submissions do not count toward it. Last evaluated 2016-10-18.

Conditions:
Breast-ovarian cancer, familial, susceptibility to, 2 (BROVCA2). Also called: BRCA2 Hereditary Breast and Ovarian Cancer. Identifiers: Orphanet 145, MedGen C2675520, MONDO:0012933, OMIM 612555. Disease mechanism: loss of function.
Hereditary breast ovarian cancer syndrome. Also called: BRCA1- and BRCA2-Associated Hereditary Breast and Ovarian Cancer; Hereditary breast and ovarian cancer; Breast and ovarian cancer; Hereditary breast and/or ovarian cancer syndrome; Hereditary breast and ovarian cancer syndrome; Hereditary breast and ovarian cancer syndrome (HBOC). Identifiers: Orphanet 145, MedGen C0677776, MeSH D061325, MONDO:0003582. Disease mechanism: loss of function.

Submissions (4):

Evidence-based Network for the Interpretation of Germline Mutant Alleles (ENIGMA)
Classification: Pathogenic for Breast-ovarian cancer, familial, susceptibility to, 2. Last evaluated: 2016-10-18. Review status: reviewed by expert panel. Criteria: ENIGMA BRCA1/2 Classification Criteria (2015). Collection method: curation. Allele origin: germline.
Comment: Variant allele predicted to encode a truncated non-functional protein.

Labcorp Genetics (formerly Invitae), Labcorp
Classification: Pathogenic for Hereditary breast ovarian cancer syndrome. Last evaluated: 2022-02-21. Review status: criteria provided, single submitter. Criteria: Invitae Variant Classification Sherloc (09022015). Collection method: clinical testing. Allele origin: germline. Not counted in ClinVar's aggregate classification.
Comment: This sequence change creates a premature translational stop signal (p.Val1969Serfs*11) in the BRCA2 gene. It is expected to result in an absent or disrupted protein product. Loss-of-function variants in BRCA2 are known to be pathogenic (PMID: 20104584). This variant is not present in population databases (gnomAD no frequency). This variant has not been reported in the literature in individuals affected with BRCA2-related conditions. ClinVar contains an entry for this variant (Variation ID: 266902). For these reasons, this variant has been classified as Pathogenic.

Consortium of Investigators of Modifiers of BRCA1/2 (CIMBA), c/o University of Cambridge
Classification: Pathogenic for Breast-ovarian cancer, familial, susceptibility to, 2. Last evaluated: 2015-10-02. Review status: criteria provided, single submitter. Criteria: CIMBA Mutation Classification guidelines May 2016. Collection method: clinical testing. Allele origin: germline. Not counted in ClinVar's aggregate classification.

BRCAlab, Lund University
Classification: Pathogenic for Breast-ovarian cancer, familial, susceptibility to, 2. Last evaluated: 2022-08-26. Review status: no assertion criteria provided. Collection method: clinical testing. Allele origin: germline. Affected: yes. Not counted in ClinVar's aggregate classification.

Literature cited by the submitters: PubMed 20104584 (cited by Labcorp Genetics (formerly Invitae), Labcorp).

NM_000059.4(BRCA2):c.5904dup (p.Val1969fs)

Gene: BRCA2 (BRCA2 DNA repair associated; plus strand). Cytogenetic location: 13q13.1.
Variant type: Duplication.
Coding change: c.5904dup on transcript NM_000059.4 (MANE Select); coding-DNA position 5904, one base duplicated (A; older notation c.5904dupA).
Protein change: p.Val1969fs; shifts the reading frame from valine 1969.
Molecular consequence: frameshift variant.
Genome position (GRCh38, 1-based): chr13:32,340,259, A duplicated. VCF-style (leftmost placement, unchanged base first): chr13-32340258-C-CA. GRCh37 (hg19) VCF-style: chr13-32914395-C-CA.
Other names: 6132_6133insA; short protein forms V1969fs.
Identifiers: ClinVar variation 266902 (VCV000266902.26), dbSNP rs886040617, ClinGen allele CA10589335.
Genomic context (GRCh38, chr13:32,340,258, plus strand): 5'-GTGATGTTAGTTTGGAAACTTCAGATATATGTAAATGTAGTATAGGGAAGCTTCATAAGT[C>CA]AGTCTCATCTGCAAATACTTGTGGGATTTTTAGCACAGCAAGTGGAAAATCTGTCCAGGT-3'